The following is an entry in ClinVar:

NM_175914.5(HNF4A):c.925C>T (p.Arg309Cys)

Gene: HNF4A (hepatocyte nuclear factor 4 alpha; plus strand). Cytogenetic location: 20q13.12.
Variant type: single nucleotide variant.
Coding change: c.925C>T on transcript NM_175914.5 (MANE Select); coding-DNA position 925, C replaced by T.
Protein change: p.Arg309Cys; replaces arginine 309 with cysteine.
Molecular consequence: missense variant.
Genome position (GRCh38, 1-based): chr20:44,424,116, C>T. VCF-style: chr20-44424116-C-T. GRCh37 (hg19) VCF-style: chr20-43052756-C-T.
Other names: NM_175914.5(HNF4A):c.925C>T; p.Arg309Cys; c.991C>T, p.Arg331Cys (NM_000457.6, NM_178849.3, NM_178850.3); c.925C>T, p.Arg309Cys (NM_001030003.3, NM_001030004.3); c.970C>T, p.Arg324Cys (NM_001258355.2); c.916C>T, p.Arg306Cys (NM_001287182.2, NM_001287183.2, NM_001287184.2); short protein forms R309C, R331C, R306C, R324C.
Identifiers: ClinVar variation 36364 (VCV000036364.39), dbSNP rs193922479, ClinGen allele CA207744.

ClinVar aggregate classification (germline): Pathogenic. Review status: reviewed by expert panel (3 of 4 stars). 15 submissions from 14 submitters: Pathogenic (1). 14 of the submissions do not count toward it. Last evaluated 2024-04-06.

Conditions:
HNF4A-related disorder. Also called: HNF4A-related condition.
HNF4A-related disorders.
Monogenic diabetes. Identifiers: Orphanet 183625, MedGen C3888631, MONDO:0015967.
Maturity-onset diabetes of the young (MODY). Also called: Maturity onset diabetes mellitus in young. Identifiers: Orphanet 552, MedGen C0342276, MONDO:0018911, HP:0004904.
Maturity-onset diabetes of the young type 1. Also called: HNF4A-Related Maturity-Onset Diabetes of the Young Type 1; MODY type 1; Diabetes mellitus MODY type 1; MODY HNF4A related; MILD JUVENILE DIABETES MELLITUS; MODY, type I. Identifiers: Orphanet 552, MedGen C1852093, MONDO:0007452, OMIM 125850. Disease mechanism: loss of function.
Hyperinsulinemia. Also called: Hyperinsulinism. Identifiers: MedGen C0020459, MONDO:0002177, HP:0000842.

Allele frequency attached by ClinVar (database versions not stated): TOPMed below 0.00001; ExAC 0.00001; gnomAD 0.00001; gnomAD exomes 0.00001.
gnomAD v4.1: 17 of 1,613,386 alleles (0.0011%); highest among the groups gnomAD compares: East Asian, 0.0022%; no homozygotes.

Submissions 1 to 7 of 15:

ClinGen Monogenic Diabetes Variant Curation Expert Panel
Classification: Pathogenic for Monogenic diabetes. Last evaluated: 2024-04-06. Review status: reviewed by expert panel. Criteria: ClinGen Diabetes ACMG Specifications HNF4A V2.0.0. Collection method: curation. Allele origin: germline. Inheritance: Autosomal dominant inheritance.
Comment: The c.925C>T variant in the Hepatocyte Nuclear Factor 4 Alpha gene, HNF4A, causes an amino acid change of Arginine to Cysteine at codon 309 (p.(Arg309Cys)) of NM_175914.5. This variant was identified in at least 10 unrelated individuals with non-autoimmune and non-absolute/near-absolute insulin-deficient diabetes (PS4; Internal lab contributors). This variant is located within the ligand-binding domain of HNF4A, which is defined as critical for the protein’s function by the ClinGen MDEP (PM1_Supporting). This variant has a gnomAD v2.1.1 Grpmax filtering allele frequency of 0.000002970 (below the MDEP threshold of 0.000003) and ≤ 2 copies observed in the European non-Finnish population and ≤ 1 copy in any other subpopulation, thereby meeting the ClinGen MDEP criteria for PM2_Supporting (PM2_Supporting). This variant segregated with diabetes, with 1 informative meiosis in each of 3 families with MODY (PP1_moderate; Internal lab contributors). This variant is predicted to be deleterious by computational evidence, with a REVEL score of 0.787, which is greater than to the MDEP VCEP threshold of 0.70 (PP3). This variant was identified in several individuals with a clinical history highly specific for HNF4A-MODY (MODY probability calculator result >50%, negative genetic testing for HNF1A, responsiveness to sulfonylureas, and 1 family member with persistent neonatal hypoglycemia) (PP4_Moderate; Internal lab contributors). In summary, c.925C>T meets the criteria to be classified as Pathogenic for monogenic diabetes. ACMG/AMP criteria applied, as specified by the ClinGen MDEP (specification version 2.0.0, approved 10/11/2023): PS4, PM1_Supporting, PM2_Supporting, PP1_Moderate, PP3, PP4_Moderate.

GeneDx
Classification: Likely pathogenic. Last evaluated: 2025-12-02. Review status: criteria provided, single submitter. Criteria: GeneDx Variant Classification Process June 2021. Collection method: clinical testing. Allele origin: germline. Affected: yes. Not counted in ClinVar's aggregate classification.
Comment: Reported in multiple unrelated individuals with diabetes or a clinical suspicion for MODY in published literature (PMID: 18356407, 16917892, 29998026, 34789499); however, detailed clinical information was not provided; Not observed at significant frequency in large population cohorts (gnomAD); In silico analysis supports that this missense variant has a deleterious effect on protein structure/function; Also known as p.(R322C), p.(R331C); This variant is associated with the following publications: (PMID: 16917892, 23348805, 34789499, 29998026, 36208030, 36257325, 36504295, 18356407, Deng2023[preprint], 33770274)

Variantyx, Inc.
Classification: Likely pathogenic for Maturity-onset diabetes of the young type 1. Last evaluated: 2025-10-20. Review status: criteria provided, single submitter. Criteria: Variantyx Assertion Criteria 2022. Collection method: clinical testing. Allele origin: germline. Inheritance: Autosomal dominant inheritance. Affected: yes. Not counted in ClinVar's aggregate classification.
Comment: This is a nonsynonymous variant in the HNF4A gene (OMIM: 600281). Pathogenic variants in this gene have been associated with autosomal dominant MODY type I. This variant has been reported in several unrelated affected individuals (PMID: 23348805, 34789499) (PS4). It lies within a known hotspot for pathogenic variants or a well-established critical functional domain of the HNF4A protein (PM1_Supporting), and multiple computational algorithms predict a deleterious effect for this variant (REVEL score: 0.787) (PP3). This variant has a 0.0022% maximum allele frequency in non-founder control populations (PM2). Based on the current evidence, this variant is classified as likely pathogenic for autosomal dominant MODY type I.

PreventionGenetics, part of Exact Sciences
Classification: Pathogenic for HNF4A-related condition. Last evaluated: 2025-09-29. Review status: criteria provided, single submitter. Criteria: ACMG Guidelines, 2015. Collection method: clinical testing. Allele origin: germline. Not counted in ClinVar's aggregate classification.
Comment: The HNF4A c.925C>T variant is predicted to result in the amino acid substitution p.Arg309Cys. This variant, also described as p.Arg322Cys and p.Arg331Cys, has been reported in multiple unrelated individuals with diabetes or maturity-onset diabetes of the young (MODY) (see for example: Ellard et al. 2006. PubMed ID: 16917892; Colclough et al. 2013. PubMed ID: 23348805; Spiro et al. 2018. PubMed ID: 29998026; Mirshahi et al. 2022. PubMed ID: 36257325). This variant is located within the ligand-binding domain of HNF4A. A different substitution affecting the same amino acid (p.Arg309Leu) has also been reported in individuals with MODY (Harries et al. 2008. PubMed ID: 18356407; Billings et al. 2022. PubMed ID: 36208030; Mirshahi et al. 2022. PubMed ID: 36257325). This variant is reported in 0.0018% of alleles in individuals of European (non-Finnish) descent in gnomAD. The ClinGen Monogenic Diabetes Variant Curation Expert Panel has classified this variant as pathogenic (ClinVar ID: 36364). Given this evidence, this variant is interpreted as pathogenic.

Women's Health and Genetics/Laboratory Corporation of America, LabCorp
Classification: Likely pathogenic for Maturity-onset diabetes of the young. Last evaluated: 2024-07-22. Review status: criteria provided, single submitter. Criteria: LabCorp Variant Classification Summary - May 2015. Collection method: clinical testing. Allele origin: germline. Not counted in ClinVar's aggregate classification.
Comment: Variant summary: HNF4A c.925C>T (p.Arg309Cys) results in a non-conservative amino acid change located in the Nuclear hormone receptor, ligand-binding domain (IPR000536) of the encoded protein sequence. Three of five in-silico tools predict a damaging effect of the variant on protein function. The variant allele was found at a frequency of 8e-06 in 248468 control chromosomes. c.925C>T has been reported in the literature in individuals affected with Maturity Onset Diabetes Of The Young 1/Neonatal Diabetes Mellitus (e.g. Ellard_2006, Colclough_2013, Colclough_2022, Mirshahi_2022, Yorifuji_2023, Raicevic_2021, Spiro_2018). These data indicate that the variant is likely to be associated with disease. To our knowledge, no experimental evidence demonstrating an impact on protein function has been reported. The following publications have been ascertained in the context of this evaluation (PMID: 36208030, 34789499, 23348805, 16917892, 36257325, 33770274, 29998026, 36504295). ClinVar contains an entry for this variant (Variation ID: 36364). Based on the evidence outlined above, the variant was classified as likely pathogenic.

Ambry Genetics
Classification: Likely pathogenic for Maturity-onset diabetes of the young. Last evaluated: 2024-05-29. Review status: criteria provided, single submitter. Criteria: Ambry Variant Classification Scheme 2023. Collection method: clinical testing. Allele origin: germline. Not counted in ClinVar's aggregate classification.
Comment: The c.925C>T (p.R309C) alteration is located in exon 8 (coding exon 8) of the HNF4A gene. This alteration results from a C to T substitution at nucleotide position 925, causing the arginine (R) at amino acid position 309 to be replaced by a cysteine (C). Based on data from gnomAD, the T allele has an overall frequency of 0.001% (2/248468) total alleles studied. The highest observed frequency was 0.002% (2/111864) of European (non-Finnish) alleles. This variant was reported in multiple individuals with a diagnosis or suspected diagnosis of MODY (Colclough, 2013; Raicevic, 2021; Mirshahi, 2022; Yorifuji, 2023). Two other alterations at the same codon, c.926G>T (p.R309L) and c.926G>A (p.R309H), have also been detected in individuals with a diagnosis or suspected diagnosis of MODY (Mirshahi, 2022). This amino acid position is highly conserved in available vertebrate species. This missense alteration is located in a region that has a low rate of benign missense variation (Lek, 2016; Firth, 2009). This alteration is predicted to be deleterious by in silico analysis. Based on the available evidence, this alteration is classified as likely pathogenic.

Blueprint Genetics
Classification: Likely pathogenic for HNF4A-related disorders. Last evaluated: 2024-01-26. Review status: criteria provided, single submitter. Criteria: ACMG Guidelines, 2015. Collection method: clinical testing. Allele origin: germline. Affected: yes. Observed: 2 variant alleles. Not counted in ClinVar's aggregate classification.